The following is an entry in ClinVar:

NM_001844.5(COL2A1):c.743C>T (p.Pro248Leu)

Gene: COL2A1 (collagen type II alpha 1 chain; minus strand). Cytogenetic location: 12q13.11.
Variant type: single nucleotide variant.
Coding change: c.743C>T on transcript NM_001844.5 (MANE Select); coding-DNA position 743, C replaced by T.
Protein change: p.Pro248Leu; replaces proline 248 with leucine.
Molecular consequence: missense variant.
Genome position (GRCh38, 1-based): chr12:47,995,274, G>A on the plus strand (C>T on the coding strand, the complement: COL2A1 is on the minus strand). VCF-style: chr12-47995274-G-A. GRCh37 (hg19) VCF-style: chr12-48389057-G-A.
Other names: c.536C>T, p.Pro179Leu (NM_033150.3); c.743C>T (NM_001844.4); short protein forms P179L, P248L.
Identifiers: ClinVar variation 1521668 (VCV001521668.9), dbSNP rs760132838, ClinGen allele CA384523233.

ClinVar aggregate classification (germline): Uncertain significance. Review status: criteria provided, multiple submitters, no conflicts (2 of 4 stars). 2 submissions from 2 submitters: Uncertain significance (2). Last evaluated 2026-08-12.

Conditions:
Inborn genetic diseases. Identifiers: MedGen C0950123, MeSH D030342.

Submissions (2):

Ambry Genetics
Classification: Uncertain significance for Inborn genetic diseases. Last evaluated: 2026-08-12. Review status: criteria provided, single submitter. Criteria: Ambry Variant Classification Scheme 2023. Collection method: clinical testing. Allele origin: germline.

Labcorp Genetics (formerly Invitae), Labcorp
Classification: Uncertain significance. Last evaluated: 2022-10-13. Review status: criteria provided, single submitter. Criteria: Invitae Variant Classification Sherloc (09022015). Collection method: clinical testing. Allele origin: germline.
Comment: This sequence change replaces proline, which is neutral and non-polar, with leucine, which is neutral and non-polar, at codon 248 of the COL2A1 protein (p.Pro248Leu). This variant is not present in population databases (gnomAD no frequency). This variant has not been reported in the literature in individuals affected with COL2A1-related conditions. ClinVar contains an entry for this variant (Variation ID: 1521668). Advanced modeling of protein sequence and biophysical properties (such as structural, functional, and spatial information, amino acid conservation, physicochemical variation, residue mobility, and thermodynamic stability) performed at Invitae indicates that this missense variant is not expected to disrupt COL2A1 protein function. In summary, the available evidence is currently insufficient to determine the role of this variant in disease. Therefore, it has been classified as a Variant of Uncertain Significance.